The following is an entry in ClinVar:

ClinVar aggregate classification (germline): Benign (1 of 4 stars; one submission).

Conditions:
Glomuvenous malformation. Also called: GLOMANGIOMAS, MULTIPLE; GLOMUS TUMORS, MULTIPLE; VENOUS MALFORMATIONS WITH GLOMUS CELLS; Familial glomangioma. Identifiers: Orphanet 83454, MedGen C1841984, MONDO:0007672, OMIM 138000.

Allele frequency attached by ClinVar (database versions not stated): gnomAD exomes 0.00069; gnomAD 0.00698 and 0.00744; TOPMed 0.00755; 1000 Genomes Project 0.00779; 1000 Genomes Project 30x 0.00984.
gnomAD v4.1: 1,321 of 492,154 alleles (0.27%); highest among the groups gnomAD compares: African/African-American, 2.4%; 18 homozygotes.

Submission:

Illumina Laboratory Services, Illumina
Classification: Benign for Glomuvenous malformation. Last evaluated: 2018-01-13. Review status: criteria provided, single submitter. Criteria: ICSL Variant Classification Criteria 13 December 2019. Collection method: clinical testing. Allele origin: germline.
Comment: This variant was observed in the ICSL laboratory as part of a predisposition screen in an ostensibly healthy population. It had not been previously curated by ICSL or reported in the Human Gene Mutation Database (HGMD: prior to June 1st, 2018), and was therefore a candidate for classification through an automated scoring system. Utilizing variant allele frequency, disease prevalence and penetrance estimates, and inheritance mode, an automated score was calculated to assess if this variant is too frequent to cause the disease. Based on the score and internal cut-off values, a variant classified as benign is not then subjected to further curation. The score for this variant resulted in a classification of benign for this disease.

NM_053274.3(GLMN):c.-54T>G

Gene: GLMN (glomulin, FKBP associated protein; minus strand). Cytogenetic location: 1p22.1.
Variant type: single nucleotide variant.
Coding change: c.-54T>G on transcript NM_053274.3 (MANE Select); 54 bases upstream of the start codon, T replaced by G.
Molecular consequence: 5 prime UTR variant. On other transcripts: non-coding transcript variant (1).
Genome position (GRCh38, 1-based): chr1:92,298,948, A>C on the plus strand (T>G on the coding strand, the complement: GLMN is on the minus strand). VCF-style: chr1-92298948-A-C. GRCh37 (hg19) VCF-style: chr1-92764505-A-C.
Other names: c.-54T>G (NM_001319683.2).
Identifiers: ClinVar variation 298153 (VCV000298153.5), dbSNP rs145401012, ClinGen allele CA10610784.